The following is an entry in ClinVar:

NM_002386.4(MC1R):c.401T>C (p.Phe134Ser)

Gene: MC1R (melanocortin 1 receptor; plus strand). Cytogenetic location: 16q24.3.
Variant type: single nucleotide variant.
Coding change: c.401T>C on transcript NM_002386.4 (MANE Select); coding-DNA position 401, T replaced by C.
Protein change: p.Phe134Ser; replaces phenylalanine 134 with serine.
Molecular consequence: missense variant.
Genome position (GRCh38, 1-based): chr16:89,919,659, T>C. VCF-style: chr16-89919659-T-C. GRCh37 (hg19) VCF-style: chr16-89986067-T-C.
Other names: c.401T>C (NM_002386.3); short protein forms F134S.
Identifiers: ClinVar variation 1169773 (VCV001169773.8), dbSNP rs564161331, ClinGen allele CA8255578.

ClinVar aggregate classification (germline): Conflicting classifications of pathogenicity. Review status: criteria provided, conflicting classifications (1 of 4 stars). 2 submissions from 2 submitters: Uncertain significance (1); Benign (1). Last evaluated 2024-12-12.

Conditions:
Melanoma, cutaneous malignant, susceptibility to, 5. Also called: Cutaneous malignant melanoma 5. Identifiers: Orphanet 618, MedGen C2751295, MONDO:0013133, OMIM 613099.

Allele frequency attached by ClinVar (database versions not stated): TOPMed 0.00002; gnomAD 0.00007; 1000 Genomes Project 30x 0.00016; 1000 Genomes Project 0.00020; gnomAD exomes 0.00021 and 0.00039; ExAC 0.00044.
gnomAD v4.1: 309 of 1,606,618 alleles (0.019%); highest among the groups gnomAD compares: South Asian, 0.33%; 4 homozygotes.

Submissions (2):

Ambry Genetics
Classification: Uncertain significance. Last evaluated: 2024-12-12. Review status: criteria provided, single submitter. Criteria: Ambry Variant Classification Scheme 2023. Collection method: clinical testing. Allele origin: germline.
Comment: The p.F134S variant (also known as c.401T>C), located in coding exon 1 of the MC1R gene, results from a T to C substitution at nucleotide position 401. The phenylalanine at codon 134 is replaced by serine, an amino acid with highly dissimilar properties. This amino acid position is conserved. In addition, this alteration is predicted to be tolerated by in silico analysis. Based on the available evidence, the clinical significance of this variant remains unclear.

Labcorp Genetics (formerly Invitae), Labcorp
Classification: Benign for Melanoma, cutaneous malignant, susceptibility to, 5. Last evaluated: 2022-04-01. Review status: criteria provided, single submitter. Criteria: Invitae Variant Classification Sherloc (09022015). Collection method: clinical testing. Allele origin: germline.